The following is an entry in ClinVar:

NM_006063.3(KLHL41):c.1296del (p.Lys432fs)

Gene: KLHL41 (kelch like family member 41; plus strand). Cytogenetic location: 2q31.1.
Variant type: Deletion.
Coding change: c.1296del on transcript NM_006063.3 (MANE Select); coding-DNA position 1296, one base deleted (A; older notation c.1296delA).
Protein change: p.Lys432fs; shifts the reading frame from lysine 432.
Molecular consequence: frameshift variant.
Genome position (GRCh38, 1-based): chr2:169,514,881, A deleted; the last of 7 consecutive A bases (chr2:169,514,875-169,514,881); deleting any one gives the same sequence. VCF-style (leftmost placement, unchanged base first): chr2-169514874-TA-T. GRCh37 (hg19) VCF-style: chr2-170371384-TA-T.
Other names: short protein forms K432fs.
Identifiers: ClinVar variation 646196 (VCV000646196.6), dbSNP rs1288106608, ClinGen allele CA915942949.
Genomic context (GRCh38, chr2:169,514,874, plus strand): 5'-TTTACTGAAGGTATATAAATTCTGTCTCGTTTAATTTTAGGGCTGCAAAATGGAACGAAG[TA>T]AAAAAACTCCCTATCAAAGTCTATGGCCATAATGTGATTTCACATAAAGGGATGATATAT-3'

ClinVar aggregate classification (germline): Pathogenic (1 of 4 stars; one submission).

Conditions:
Nemaline myopathy 9 (NEM9). Identifiers: MedGen C3810384, MONDO:0014326, OMIM 615731.

Submission:

Labcorp Genetics (formerly Invitae), Labcorp
Classification: Pathogenic for Nemaline myopathy 9. Last evaluated: 2018-07-24. Review status: criteria provided, single submitter. Criteria: Invitae Variant Classification Sherloc (09022015). Collection method: clinical testing. Allele origin: germline.
Comment: This sequence change creates a premature translational stop signal (p.Lys432Asnfs*11) in the KLHL41 gene. It is expected to result in an absent or disrupted protein product. This variant is not present in population databases (ExAC no frequency). This variant has not been reported in the literature in individuals with KLHL41-related disease. Loss-of-function variants in KLHL41 are known to be pathogenic (PMID: 24268659). For these reasons, this variant has been classified as Pathogenic.

Literature cited by the submitters: PubMed 24268659.